The following is an entry in ClinVar:

NM_016955.4(SEPSECS):c.671C>T (p.Thr224Ile)

Gene: SEPSECS (Sep (O-phosphoserine) tRNA:Sec (selenocysteine) tRNA synthase; minus strand). Cytogenetic location: 4p15.2.
Variant type: single nucleotide variant.
Coding change: c.671C>T on transcript NM_016955.4 (MANE Select); coding-DNA position 671, C replaced by T.
Protein change: p.Thr224Ile; replaces threonine 224 with isoleucine.
Molecular consequence: missense variant.
Genome position (GRCh38, 1-based): chr4:25,155,028, G>A on the plus strand (C>T on the coding strand, the complement: SEPSECS is on the minus strand). VCF-style: chr4-25155028-G-A. GRCh37 (hg19) VCF-style: chr4-25156650-G-A.
Other names: short protein forms T224I.
Identifiers: ClinVar variation 1426354 (VCV001426354.3), dbSNP rs1385996197, ClinGen allele CA356541522.

ClinVar aggregate classification (germline): Uncertain significance (1 of 4 stars; one submission).

Allele frequency attached by ClinVar (database versions not stated): gnomAD 0.00001; gnomAD exomes below 0.00001; TOPMed below 0.00001.
gnomAD v4.1: 3 of 1,614,000 alleles (0.00019%); highest among the groups gnomAD compares: East Asian, 0.0022%; no homozygotes.

Submission:

Labcorp Genetics (formerly Invitae), Labcorp
Classification: Uncertain significance. Last evaluated: 2022-04-18. Review status: criteria provided, single submitter. Criteria: Invitae Variant Classification Sherloc (09022015). Collection method: clinical testing. Allele origin: germline.
Comment: This sequence change replaces threonine, which is neutral and polar, with isoleucine, which is neutral and non-polar, at codon 224 of the SEPSECS protein (p.Thr224Ile). This variant is present in population databases (no rsID available, gnomAD 0.005%). This variant has not been reported in the literature in individuals affected with SEPSECS-related conditions. Algorithms developed to predict the effect of missense changes on protein structure and function (SIFT, PolyPhen-2, Align-GVGD) all suggest that this variant is likely to be disruptive. In summary, the available evidence is currently insufficient to determine the role of this variant in disease. Therefore, it has been classified as a Variant of Uncertain Significance.